The following is an entry in ClinVar:

NM_006989.6(RASA4):c.834C>T (p.His278=)

Gene: RASA4 (RAS p21 protein activator 4; minus strand). Cytogenetic location: 7q22.1.
Variant type: single nucleotide variant.
Coding change: c.834C>T on transcript NM_006989.6 (MANE Select); coding-DNA position 834, C replaced by T.
Protein change: p.His278=; no amino-acid change (histidine 278 retained).
Molecular consequence: synonymous variant.
Genome position (GRCh38, 1-based): chr7:102,596,033, G>A on the plus strand (C>T on the coding strand, the complement: RASA4 is on the minus strand). VCF-style: chr7-102596033-G-A. GRCh37 (hg19) VCF-style: chr7-102236480-G-A.
Other names: c.834C>T, p.His278= (NM_001079877.2).
Identifiers: ClinVar variation 2657886 (VCV002657886.24), dbSNP rs778074471, ClinGen allele CA4414922.

ClinVar aggregate classification (germline): Likely benign (1 of 4 stars; one submission).

Allele frequency attached by ClinVar (database versions not stated): ExAC 0.00702.

Submission:

CeGaT Center for Human Genetics Tuebingen
Classification: Likely benign. Last evaluated: 2022-11-01. Review status: criteria provided, single submitter. Criteria: CeGaT Center For Human Genetics Tuebingen Variant Classification Criteria Version 2. Collection method: clinical testing. Allele origin: germline. Affected: yes. Observed: 2 variant alleles.
Comment: RASA4: BP4, BP7